The following is an entry in ClinVar:

NM_004646.4(NPHS1):c.1078_1079del (p.Ser360fs)

Gene: NPHS1 (NPHS1 adhesion molecule, nephrin; minus strand). Cytogenetic location: 19q13.12.
Variant type: Microsatellite.
Coding change: c.1078_1079del on transcript NM_004646.4 (MANE Select); coding-DNA positions 1078 to 1079, 2 bases deleted (TC; older notation c.1078_1079delTC).
Protein change: p.Ser360fs; shifts the reading frame from serine 360.
Molecular consequence: frameshift variant.
Genome position (GRCh38, 1-based): chr19:35,848,728-35,848,729, GA deleted on the plus strand (TC on the coding strand, the reverse complement: NPHS1 is on the minus strand); deleting any 2 consecutive bases within chr19:35,848,728-35,848,732 gives the same sequence; the c. name uses the placement nearest the transcript's 3' end. VCF-style (leftmost placement, unchanged base first): chr19-35848727-GGA-G. GRCh37 (hg19) VCF-style: chr19-36339629-GGA-G.
Other names: short protein forms S360fs.
Identifiers: ClinVar variation 3583722 (VCV003583722.2).

ClinVar aggregate classification (germline): Pathogenic/Likely pathogenic. Review status: criteria provided, multiple submitters, no conflicts (2 of 4 stars). 2 submissions from 2 submitters: Pathogenic (1); Likely pathogenic (1). Last evaluated 2024-05-03.

Conditions:
Finnish congenital nephrotic syndrome (NPHS1). Also called: NEPHROTIC SYNDROME, TYPE 1. Identifiers: Orphanet 839, MedGen C0403399, MONDO:0009732, OMIM 256300.

Submissions (2):

Myriad Genetics, Inc.
Classification: Pathogenic for Finnish congenital nephrotic syndrome. Last evaluated: 2024-05-03. Review status: criteria provided, single submitter. Criteria: Myriad Autosomal Dominant, Autosomal Recessive and X-Linked Classification Criteria (2023). Collection method: clinical testing. Allele origin: unknown.
Comment: NM_004646.3(NPHS1):c.1078_1079delTC(S360Lfs*58) is expected to be pathogenic in the context of nephrotic syndrome, NPHS1-related. This variant is predicted to lead to an abnormal or absent protein product due to the creation of a premature termination codon in NPHS1, a gene where loss-of-function variants are known to be pathogenic. Please note: this variant was assessed in the context of healthy population screening.

Fulgent Genetics
Classification: Likely pathogenic for Finnish congenital nephrotic syndrome. Last evaluated: 2024-03-13. Review status: criteria provided, single submitter. Criteria: ACMG Guidelines, 2015. Collection method: clinical testing. Allele origin: germline.